The following is an entry in ClinVar:

ClinVar aggregate classification (germline): Conflicting classifications of pathogenicity. Review status: criteria provided, conflicting classifications (1 of 4 stars). 4 submissions from 4 submitters: Uncertain significance (2); Likely benign (2). Last evaluated 2025-07-28.

Conditions:
DNM2-related disorder. Also called: DNM2-related condition.
Inborn genetic diseases. Identifiers: MedGen C0950123, MeSH D030342.
Charcot-Marie-Tooth disease dominant intermediate B (CMTDIB). Also called: CHARCOT-MARIE-TOOTH NEUROPATHY, DOMINANT INTERMEDIATE B; Charcot-Marie-Tooth disease dominant intermediate 1; CMT DI1; Charcot-Marie-Tooth disease dominant intermediate I. Identifiers: Orphanet 100044, Orphanet 228179, MedGen C1847902, MONDO:0011674, OMIM 606482.

Allele frequency attached by ClinVar (database versions not stated): gnomAD exomes 0.00001 and 0.00002; ExAC 0.00002; TOPMed 0.00005; gnomAD 0.00006.

Submissions (4):

Labcorp Genetics (formerly Invitae), Labcorp
Classification: Likely benign for Charcot-Marie-Tooth disease dominant intermediate B. Last evaluated: 2025-07-28. Review status: criteria provided, single submitter. Criteria: Invitae Variant Classification Sherloc (09022015). Collection method: clinical testing. Allele origin: germline.

PreventionGenetics, part of Exact Sciences
Classification: Uncertain significance for DNM2-related condition. Last evaluated: 2025-07-15. Review status: criteria provided, single submitter. Criteria: ACMG Guidelines, 2015. Collection method: clinical testing. Allele origin: germline.
Comment: The DNM2 c.535A>G variant is predicted to result in the amino acid substitution p.Met179Val. To our knowledge, this variant has not been reported in the literature. This variant is reported in 0.031% of alleles in individuals of African descent in gnomAD. At this time, the clinical significance of this variant is uncertain due to the absence of conclusive functional and genetic evidence.

Ambry Genetics
Classification: Likely benign for Inborn genetic diseases. Last evaluated: 2024-05-23. Review status: criteria provided, single submitter. Criteria: Ambry Variant Classification Scheme 2023. Collection method: clinical testing. Allele origin: germline.

Athena Diagnostics
Classification: Uncertain significance. Last evaluated: 2023-08-09. Review status: criteria provided, single submitter. Criteria: Athena Diagnostics Criteria. Collection method: clinical testing. Allele origin: unknown.
Comment: Available data are insufficient to determine the clinical significance of the variant at this time. The frequency of this variant in the general population is higher than would generally be expected for pathogenic variants in this gene. Computational tools predict that this variant is not damaging.

NM_001005361.3(DNM2):c.535A>G (p.Met179Val)

Gene: DNM2 (dynamin 2; plus strand). Cytogenetic location: 19p13.2.
Variant type: single nucleotide variant.
Coding change: c.535A>G on transcript NM_001005361.3 (MANE Select); coding-DNA position 535, A replaced by G.
Protein change: p.Met179Val; replaces methionine 179 with valine.
Molecular consequence: missense variant.
Genome position (GRCh38, 1-based): chr19:10,775,852, A>G. VCF-style: chr19-10775852-A-G. GRCh37 (hg19) VCF-style: chr19-10886528-A-G.
Other names: c.535A>G, p.Met179Val (NM_001005360.3, NM_001005362.3, NM_001190716.2 and 1 more transcripts); short protein forms M179V.
Identifiers: ClinVar variation 581147 (VCV000581147.11), dbSNP rs748887276, ClinGen allele CA9200815.